The following is an entry in ClinVar:

NM_000548.5(TSC2):c.3061_3062delinsTT (p.Glu1021Leu)

Gene: TSC2 (TSC complex subunit 2; plus strand). Cytogenetic location: 16p13.3.
Variant type: Indel.
Coding change: c.3061_3062delinsTT on transcript NM_000548.5 (MANE Select); coding-DNA positions 3061 to 3062, GA replaced by TT.
Protein change: p.Glu1021Leu; replaces glutamic acid 1021 with leucine.
Molecular consequence: missense variant. On other transcripts: non-coding transcript variant (5).
Genome position (GRCh38, 1-based): chr16:2,079,126-2,079,127, GA replaced by TT. VCF-style: chr16-2079126-GA-TT. GRCh37 (hg19) VCF-style: chr16-2129127-GA-TT.
Other names: c.2929_2930delinsTT, p.Glu977Leu (NM_001406665.1, NM_001077183.3, NM_001370404.1); c.3022_3023delinsTT, p.Glu1008Leu (NM_001406667.1); c.3019_3020delinsTT, p.Glu1007Leu (NM_001406668.1); c.2950_2951delinsTT, p.Glu984Leu (NM_001406670.1); c.2920_2921delinsTT, p.Glu974Leu (NM_001406671.1); c.2917_2918delinsTT, p.Glu973Leu (NM_001406673.1); c.2914_2915delinsTT, p.Glu972Leu (NM_001406675.1); c.2911_2912delinsTT, p.Glu971Leu (NM_001406676.1); and 18 more; short protein forms E1007L, E1008L, E1020L, E529L, E777L, E971L, E977L, E443L.
Identifiers: ClinVar variation 3811300 (VCV003811300.1).

ClinVar aggregate classification (germline): Uncertain significance (1 of 4 stars; one submission).

Conditions:
Hereditary cancer-predisposing syndrome. Also called: Neoplastic Syndromes, Hereditary; Hereditary Cancer Syndrome; Tumor predisposition; Hereditary neoplastic syndrome. Identifiers: Orphanet 140162, MedGen C0027672, MeSH D009386, MONDO:0015356.

Submission:

Ambry Genetics
Classification: Uncertain significance for Hereditary cancer-predisposing syndrome. Last evaluated: 2024-12-17. Review status: criteria provided, single submitter. Criteria: Ambry Variant Classification Scheme 2023. Collection method: clinical testing. Allele origin: germline.
Comment: The c.3061_3062delGAinsTT variant (also known as p.E1021L), located in coding exon 26 of the TSC2 gene, results from an in-frame deletion of GA and insertion of TT at nucleotide positions 3061 to 3062. This results in the substitution of the glutamic acid residue for a leucine residue at codon 1021, an amino acid with dissimilar properties. This amino acid position is highly conserved in available vertebrate species. In addition, the in silico prediction for this alteration is inconclusive (Choi Y et al. PLoS ONE. 2012; 7(10):e46688). Based on the available evidence, the clinical significance of this variant remains unclear.